The following is an entry in ClinVar:

NM_001374828.1(ARID1B):c.3199T>C (p.Tyr1067His)

Gene: ARID1B (AT-rich interaction domain 1B; plus strand). Cytogenetic location: 6q25.3.
Variant type: single nucleotide variant.
Coding change: c.3199T>C on transcript NM_001374828.1 (MANE Select); coding-DNA position 3199, T replaced by C.
Protein change: p.Tyr1067His; replaces tyrosine 1067 with histidine.
Molecular consequence: missense variant.
Genome position (GRCh38, 1-based): chr6:157,167,149, T>C. VCF-style: chr6-157167149-T-C. GRCh37 (hg19) VCF-style: chr6-157488283-T-C.
Other names: c.2950T>C, p.Tyr984His (NM_001346813.1); c.700T>C, p.Tyr234His (NM_001363725.2); c.3238T>C, p.Tyr1080His (NM_001371656.1, NM_001374820.1); c.3199T>C, p.Tyr1067His (NM_017519.3); c.2989T>C, p.Tyr997His (NM_020732.3); c.2776T>C, p.Tyr926His (NM_175863.2); short protein forms Y1067H, Y234H, Y997H, Y984H, Y1080H, Y926H.
Identifiers: ClinVar variation 2045875 (VCV002045875.4), dbSNP rs993245785, ClinGen allele CA150848366.

ClinVar aggregate classification (germline): Uncertain significance (1 of 4 stars; one submission).

Submission:

Labcorp Genetics (formerly Invitae), Labcorp
Classification: Uncertain significance. Last evaluated: 2022-07-01. Review status: criteria provided, single submitter. Criteria: Invitae Variant Classification Sherloc (09022015). Collection method: clinical testing. Allele origin: germline.
Comment: In summary, the available evidence is currently insufficient to determine the role of this variant in disease. Therefore, it has been classified as a Variant of Uncertain Significance. Algorithms developed to predict the effect of missense changes on protein structure and function (SIFT, PolyPhen-2, Align-GVGD) all suggest that this variant is likely to be disruptive. This variant has not been reported in the literature in individuals affected with ARID1B-related conditions. This variant is not present in population databases (gnomAD no frequency). This sequence change replaces tyrosine, which is neutral and polar, with histidine, which is basic and polar, at codon 997 of the ARID1B protein (p.Tyr997His).